The following is an entry in ClinVar:

ClinVar aggregate classification (germline): Likely benign (1 of 4 stars; one submission).

Allele frequency attached by ClinVar (database versions not stated): gnomAD exomes 0.00002; TOPMed 0.00006; gnomAD 0.00007; ExAC 0.00008; ESP Exome Variant Server 0.00038.
gnomAD v4.1: 39 of 1,614,128 alleles (0.0024%); highest among the groups gnomAD compares: Middle Eastern, 0.033%; no homozygotes.

Submission:

CeGaT Center for Human Genetics Tuebingen
Classification: Likely benign. Last evaluated: 2022-05-01. Review status: criteria provided, single submitter. Criteria: CeGaT Center For Human Genetics Tuebingen Variant Classification Criteria Version 2. Collection method: clinical testing. Allele origin: germline. Affected: yes. Observed: 1 variant allele.
Comment: LAX1: BP4, BP7

NM_017773.4(LAX1):c.561A>G (p.Ser187=)

Gene: LAX1 (lymphocyte transmembrane adaptor 1; plus strand). Cytogenetic location: 1q32.1.
Variant type: single nucleotide variant.
Coding change: c.561A>G on transcript NM_017773.4 (MANE Select); coding-DNA position 561, A replaced by G.
Protein change: p.Ser187=; no amino-acid change (serine 187 retained).
Molecular consequence: synonymous variant.
Genome position (GRCh38, 1-based): chr1:203,774,045, A>G. VCF-style: chr1-203774045-A-G. GRCh37 (hg19) VCF-style: chr1-203743173-A-G.
Other names: c.513A>G, p.Ser171= (NM_001136190.2); c.333A>G, p.Ser111= (NM_001282878.1).
Identifiers: ClinVar variation 2639822 (VCV002639822.24), dbSNP rs140031766, ClinGen allele CA1342501.